The following is an entry in ClinVar:

NM_004104.5(FASN):c.2172C>G (p.Ser724Arg)

Gene: FASN (fatty acid synthase; minus strand). Cytogenetic location: 17q25.3.
Variant type: single nucleotide variant.
Coding change: c.2172C>G on transcript NM_004104.5 (MANE Select); coding-DNA position 2172, C replaced by G.
Protein change: p.Ser724Arg; replaces serine 724 with arginine.
Molecular consequence: missense variant.
Genome position (GRCh38, 1-based): chr17:82,089,101, G>C on the plus strand (C>G on the coding strand, the complement: FASN is on the minus strand). VCF-style: chr17-82089101-G-C. GRCh37 (hg19) VCF-style: chr17-80046977-G-C.
Other names: short protein forms S724R.
Identifiers: ClinVar variation 1044245 (VCV001044245.9), dbSNP rs1030492532, ClinGen allele CA401558521.
Genomic context (GRCh38, chr17:82,089,101, plus strand): 5'-CAGCACAGGGCTCACCAGGTTGTTGACATTGTACTCGGCGGAGGACGTGCGTGCCAGGCT[G>C]CTGTGCCACTGGGCCTCGGGGATAGAGGTGCTGAGCCAGCGGGCTGAACGTGGCTTCGGC-3'
Protein context (NP_004095.4, residues 714-734): STSIPEAQWH[Ser724Arg]SLARTSSAEY

ClinVar aggregate classification (germline): Uncertain significance (1 of 4 stars; one submission).

Conditions:
Epileptic encephalopathy. Identifiers: MedGen C0543888, HP:0200134.

Submission:

Labcorp Genetics (formerly Invitae), Labcorp
Classification: Uncertain significance for Epileptic encephalopathy. Last evaluated: 2020-01-08. Review status: criteria provided, single submitter. Criteria: Invitae Variant Classification Sherloc (09022015). Collection method: clinical testing. Allele origin: germline.
Comment: This variant is not present in population databases (ExAC no frequency). In summary, the available evidence is currently insufficient to determine the role of this variant in disease. Therefore, it has been classified as a Variant of Uncertain Significance. Algorithms developed to predict the effect of missense changes on protein structure and function (SIFT, PolyPhen-2, Align-GVGD) all suggest that this variant is likely to be tolerated, but these predictions have not been confirmed by published functional studies and their clinical significance is uncertain. This variant has not been reported in the literature in individuals with FASN-related conditions. This sequence change replaces serine with arginine at codon 724 of the FASN protein (p.Ser724Arg). The serine residue is moderately conserved and there is a moderate physicochemical difference between serine and arginine.